The following is an entry in ClinVar:

ClinVar aggregate classification (germline): Likely benign. Review status: criteria provided, multiple submitters, no conflicts (2 of 4 stars). 6 submissions from 6 submitters: Likely benign (6). Last evaluated 2026-01-05.

Conditions:
Breast-ovarian cancer, familial, susceptibility to, 1 (BROVCA1). Also called: BRCA1 Hereditary Breast and Ovarian Cancer; OVARIAN CANCER, SUSCEPTIBILITY TO. Identifiers: Orphanet 145, MedGen C2676676, MONDO:0011450, OMIM 604370. Disease mechanism: loss of function.
Hereditary breast ovarian cancer syndrome. Also called: Hereditary breast and ovarian cancer syndrome; Breast and ovarian cancer; Hereditary breast and ovarian cancer syndrome (HBOC); Hereditary breast and/or ovarian cancer syndrome; BRCA1- and BRCA2-Associated Hereditary Breast and Ovarian Cancer; Hereditary breast and ovarian cancer. Identifiers: Orphanet 145, MedGen C0677776, MeSH D061325, MONDO:0003582. Disease mechanism: loss of function.
Hereditary cancer-predisposing syndrome. Also called: Neoplastic Syndromes, Hereditary; Hereditary neoplastic syndrome; Hereditary Cancer Syndrome; Tumor predisposition. Identifiers: Orphanet 140162, MedGen C0027672, MeSH D009386, MONDO:0015356.

Allele frequency attached by ClinVar (database versions not stated): gnomAD exomes below 0.00001 and 0.00001.
gnomAD v4.1: 1 of 1,614,058 alleles (0.000062%); highest among the groups gnomAD compares: Admixed American, 0.0017%; no homozygotes.

Submissions (6):

Labcorp Genetics (formerly Invitae), Labcorp
Classification: Likely benign for Hereditary breast ovarian cancer syndrome. Last evaluated: 2026-01-05. Review status: criteria provided, single submitter. Criteria: Invitae Variant Classification Sherloc (09022015). Collection method: clinical testing. Allele origin: germline.

All of Us Research Program, National Institutes of Health
Classification: Likely benign for Breast-ovarian cancer, familial, susceptibility to, 1. Last evaluated: 2023-05-16. Review status: criteria provided, single submitter. Criteria: ACMG Guidelines, 2015. Collection method: clinical testing. Allele origin: germline. Inheritance: Autosomal dominant inheritance. Observed: 1 variant allele, 1 heterozygote.
Comment: This study involves interpretation of variants in research participants for the purpose of population health screening. Participant phenotype was not available at the time of variant classification. Additional details can be found in publication PMID: 35346344, PMCID: PMC8962531

Ambry Genetics
Classification: Likely benign for Hereditary cancer-predisposing syndrome. Last evaluated: 2022-09-19. Review status: criteria provided, single submitter. Criteria: Ambry Variant Classification Scheme 2023. Collection method: clinical testing. Allele origin: germline.

Women's Health and Genetics/Laboratory Corporation of America, LabCorp
Classification: Likely benign. Last evaluated: 2019-08-27. Review status: criteria provided, single submitter. Criteria: LabCorp Variant Classification Summary - May 2015. Collection method: clinical testing. Allele origin: germline.

Quest Diagnostics Nichols Institute San Juan Capistrano
Classification: Likely benign. Last evaluated: 2019-01-24. Review status: criteria provided, single submitter. Criteria: Quest Diagnostics criteria. Collection method: clinical testing. Allele origin: germline.

Color Diagnostics, LLC DBA Color Health
Classification: Likely benign for Hereditary cancer-predisposing syndrome. Last evaluated: 2018-04-10. Review status: criteria provided, single submitter. Criteria: ACMG Guidelines, 2015. Collection method: clinical testing. Allele origin: germline.

NM_007294.4(BRCA1):c.1950A>T (p.Ile650=)

Gene: BRCA1 (BRCA1 DNA repair associated; minus strand). Cytogenetic location: 17q21.31.
Variant type: single nucleotide variant.
Coding change: c.1950A>T on transcript NM_007294.4 (MANE Select); coding-DNA position 1950, A replaced by T.
Protein change: p.Ile650=; no amino-acid change (isoleucine 650 retained).
Molecular consequence: synonymous variant. On other transcripts: intron variant (137).
Genome position (GRCh38, 1-based): chr17:43,093,581, T>A on the plus strand (A>T on the coding strand, the complement: BRCA1 is on the minus strand). VCF-style: chr17-43093581-T-A. GRCh37 (hg19) VCF-style: chr17-41245598-T-A.
Other names: c.1737A>T, p.Ile579= (NM_001407571.1, NM_001407853.1, NM_001407894.1 and 9 more transcripts); c.1950A>T, p.Ile650= (NM_001407581.1, NM_001407582.1, NM_001407583.1 and 30 more transcripts); c.1947A>T, p.Ile649= (NM_001407587.1, NM_001407590.1, NM_001407591.1 and 22 more transcripts); c.1941A>T, p.Ile647= (NM_001407646.1, NM_001407647.1); c.1827A>T, p.Ile609= (NM_001407648.1, NM_001407664.1, NM_001407665.1 and 19 more transcripts); c.1824A>T, p.Ile608= (NM_001407649.1, NM_001407670.1, NM_001407671.1 and 11 more transcripts); c.1872A>T, p.Ile624= (NM_001407653.1, NM_001407654.1, NM_001407655.1 and 4 more transcripts); c.1869A>T, p.Ile623= (NM_001407659.1, NM_001407660.1, NM_001407661.1 and 1 more transcripts); and 40 more.
Identifiers: ClinVar variation 415585 (VCV000415585.21), dbSNP rs1060504579, ClinGen allele CA16615411.